The following is an entry in ClinVar:

NM_003239.5(TGFB3):c.156del (p.Arg52fs)

Gene: TGFB3 (transforming growth factor beta 3; minus strand). Cytogenetic location: 14q24.3.
Variant type: Deletion.
Coding change: c.156del on transcript NM_003239.5 (MANE Select); coding-DNA position 156, one base deleted (G; older notation c.156delG).
Protein change: p.Arg52fs; shifts the reading frame from arginine 52.
Molecular consequence: frameshift variant.
Genome position (GRCh38, 1-based): chr14:75,980,738, C deleted on the plus strand (G on the coding strand, the reverse complement: TGFB3 is on the minus strand); the first of 2 consecutive C bases (chr14:75,980,738-75,980,739); deleting either gives the same sequence. VCF-style (leftmost placement, unchanged base first): chr14-75980737-GC-G. GRCh37 (hg19) VCF-style: chr14-76447080-GC-G.
Other names: c.156del, p.Arg52fs (NM_001329938.2, NM_001329939.2); short protein forms R52fs.
Identifiers: ClinVar variation 2631124 (VCV002631124.3), dbSNP rs2503023915, ClinGen allele CA2695199844.

ClinVar aggregate classification (germline): Likely pathogenic (0 of 4 stars; one submission).

Conditions:
TGFB3-related disorder. Also called: TGFB3-related condition.

Submission:

PreventionGenetics, part of Exact Sciences
Classification: Likely pathogenic for TGFB3-related condition. Last evaluated: 2024-02-29. Review status: no assertion criteria provided. Collection method: clinical testing. Allele origin: germline.
Comment: The TGFB3 c.156delG variant is predicted to result in a frameshift and premature protein termination (p.Arg52Serfs*10). To our knowledge, this variant has not been reported in the literature or in a large population database, indicating this variant is rare. Frameshift variants in TGFB3 are expected to be pathogenic. This variant is interpreted as likely pathogenic.